The following is an entry in ClinVar:

ClinVar aggregate classification (germline): Uncertain significance (1 of 4 stars; one submission).

Submission:

Labcorp Genetics (formerly Invitae), Labcorp
Classification: Uncertain significance. Last evaluated: 2022-08-22. Review status: criteria provided, single submitter. Criteria: Invitae Variant Classification Sherloc (09022015). Collection method: clinical testing. Allele origin: germline.
Comment: In summary, the available evidence is currently insufficient to determine the role of this variant in disease. Therefore, it has been classified as a Variant of Uncertain Significance. Algorithms developed to predict the effect of missense changes on protein structure and function are either unavailable or do not agree on the potential impact of this missense change (SIFT: "Deleterious"; PolyPhen-2: "Benign"; Align-GVGD: "Class C35"). This variant has not been reported in the literature in individuals affected with ARCN1-related conditions. This variant is not present in population databases (gnomAD no frequency). This sequence change replaces leucine, which is neutral and non-polar, with proline, which is neutral and non-polar, at codon 327 of the ARCN1 protein (p.Leu327Pro).

NM_001655.5(ARCN1):c.980T>C (p.Leu327Pro)

Gene: ARCN1 (archain 1 coat protein complex I subunit delta; plus strand). Cytogenetic location: 11q23.3.
Variant type: single nucleotide variant.
Coding change: c.980T>C on transcript NM_001655.5 (MANE Select); coding-DNA position 980, T replaced by C.
Protein change: p.Leu327Pro; replaces leucine 327 with proline.
Molecular consequence: missense variant.
Genome position (GRCh38, 1-based): chr11:118,590,502, T>C. VCF-style: chr11-118590502-T-C. GRCh37 (hg19) VCF-style: chr11-118461217-T-C.
Other names: c.716T>C, p.Leu239Pro (NM_001142281.2); short protein forms L239P, L327P.
Identifiers: ClinVar variation 1717687 (VCV001717687.5), dbSNP rs2497706647, ClinGen allele CA382811732.